The following is an entry in ClinVar:

ClinVar aggregate classification (germline): Uncertain significance. Review status: criteria provided, multiple submitters, no conflicts (2 of 4 stars). 3 submissions from 3 submitters: Uncertain significance (3). Last evaluated 2025-05-22.

Conditions:
Inborn genetic diseases. Identifiers: MedGen C0950123, MeSH D030342.
Cortical dysplasia-focal epilepsy syndrome (PTHSL1). Also called: Pitt-Hopkins-like syndrome 1. Identifiers: Orphanet 163681, Orphanet 221150, MedGen C2750246, MONDO:0012400, OMIM 610042.

Allele frequency attached by ClinVar (database versions not stated): gnomAD exomes below 0.00001 and 0.00002; ExAC 0.00001; gnomAD 0.00001; ESP Exome Variant Server 0.00008.

Submissions (3):

GeneDx
Classification: Uncertain significance. Last evaluated: 2025-05-22. Review status: criteria provided, single submitter. Criteria: GeneDx Variant Classification Process June 2021. Collection method: clinical testing. Allele origin: germline. Affected: yes.
Comment: In silico analysis supports that this missense variant has a deleterious effect on protein structure/function; Has not been previously published as pathogenic or benign to our knowledge

Labcorp Genetics (formerly Invitae), Labcorp
Classification: Uncertain significance for Cortical dysplasia-focal epilepsy syndrome. Last evaluated: 2024-10-24. Review status: criteria provided, single submitter. Criteria: Invitae Variant Classification Sherloc (09022015). Collection method: clinical testing. Allele origin: germline.
Comment: This sequence change replaces proline, which is neutral and non-polar, with serine, which is neutral and polar, at codon 76 of the CNTNAP2 protein (p.Pro76Ser). This variant is present in population databases (rs149632465, gnomAD 0.02%). This variant has not been reported in the literature in individuals affected with CNTNAP2-related conditions. ClinVar contains an entry for this variant (Variation ID: 1369652). An algorithm developed to predict the effect of missense changes on protein structure and function (PolyPhen-2) suggests that this variant is likely to be disruptive. In summary, the available evidence is currently insufficient to determine the role of this variant in disease. Therefore, it has been classified as a Variant of Uncertain Significance.

Ambry Genetics
Classification: Uncertain significance for Inborn genetic diseases. Last evaluated: 2019-08-26. Review status: criteria provided, single submitter. Criteria: Ambry Variant Classification Scheme 2023. Collection method: clinical testing. Allele origin: germline.
Comment: The p.P76S variant (also known as c.226C>T), located in coding exon 3 of the CNTNAP2 gene, results from a C to T substitution at nucleotide position 226. The proline at codon 76 is replaced by serine, an amino acid with similar properties. This amino acid position is highly conserved in available vertebrate species. In addition, this alteration is predicted to be deleterious by in silico analysis. Since supporting evidence is limited at this time, the clinical significance of this alteration remains unclear.

NM_014141.6(CNTNAP2):c.226C>T (p.Pro76Ser)

Gene: CNTNAP2 (contactin associated protein 2; plus strand). Cytogenetic location: 7q35.
Variant type: single nucleotide variant.
Coding change: c.226C>T on transcript NM_014141.6 (MANE Select); coding-DNA position 226, C replaced by T.
Protein change: p.Pro76Ser; replaces proline 76 with serine.
Molecular consequence: missense variant.
Genome position (GRCh38, 1-based): chr7:146,839,728, C>T. VCF-style: chr7-146839728-C-T. GRCh37 (hg19) VCF-style: chr7-146536820-C-T.
Other names: short protein forms P76S.
Identifiers: ClinVar variation 1369652 (VCV001369652.10), dbSNP rs149632465, ClinGen allele CA4545731.